The following is an entry in ClinVar:

ClinVar aggregate classification (germline): Uncertain significance (1 of 4 stars; one submission).

Submission:

GeneDx
Classification: Uncertain significance. Last evaluated: 2022-10-07. Review status: criteria provided, single submitter. Criteria: GeneDx Variant Classification Process June 2021. Collection method: clinical testing. Allele origin: germline. Affected: yes.
Comment: Not observed at significant frequency in large population cohorts (gnomAD); In silico analysis supports that this missense variant has a deleterious effect on protein structure/function; Has not been previously published as pathogenic or benign to our knowledge

NM_016148.5(SHANK1):c.1478G>C (p.Arg493Pro)

Gene: SHANK1 (SH3 and multiple ankyrin repeat domains 1; minus strand). Cytogenetic location: 19q13.33.
Variant type: single nucleotide variant.
Coding change: c.1478G>C on transcript NM_016148.5 (MANE Select); coding-DNA position 1478, G replaced by C.
Protein change: p.Arg493Pro; replaces arginine 493 with proline.
Molecular consequence: missense variant.
Genome position (GRCh38, 1-based): chr19:50,703,575, C>G on the plus strand (G>C on the coding strand, the complement: SHANK1 is on the minus strand). VCF-style: chr19-50703575-C-G. GRCh37 (hg19) VCF-style: chr19-51206832-C-G.
Other names: short protein forms R493P.
Identifiers: ClinVar variation 2497755 (VCV002497755.1), dbSNP rs778254177, ClinGen allele CA407035153.